The following continues an entry in ClinVar:

NM_024675.4(PALB2):c.3128G>C (p.Gly1043Ala)

Gene: PALB2. ClinVar aggregate classification (germline): Conflicting classifications of pathogenicity. Uncertain significance (11); Benign (1); Likely benign (1).

Submissions 10 to 15 of 15:

Women's Health and Genetics/Laboratory Corporation of America, LabCorp
Classification: Uncertain significance. Last evaluated: 2021-08-20. Review status: criteria provided, single submitter. Criteria: LabCorp Variant Classification Summary - May 2015. Collection method: clinical testing. Allele origin: germline.
Comment: Variant summary: PALB2 c.3128G>C (p.Gly1043Ala) results in a non-conservative amino acid change located in the Partner and localiser of BRCA2, WD40 domain (IPR031920) of the encoded protein sequence. Four of five in-silico tools predict a damaging effect of the variant on protein function. The variant allele was found at a frequency of 2.7e-05 in 263364 control chromosomes. c.3128G>C has been reported in the literature in individuals affected with Hereditary Breast and Ovarian Cancer (examples- Hellebrand_2011, Hofstatter_2011, Tung_2014, Ramus_2015, Thompson_2015), but also in controls (examples- Kanchi_2014, Damiola_2015, Girard_2018). These reports do not provide unequivocal conclusions about association of the variant with Hereditary Breast and Ovarian Cancer. Several publications report experimental evidence evaluating an impact on protein function, reporting conflicting results. In one study, the variant was reported to have no significant effect on homology-directed repair (HDR) activity (Wiltshire_2019), but in another study modest reductions in HDR activity were observed, and the variant protein was shown to exhibit reduced interaction with BRCA2 in a mammalian two hybrid assay (Rodrigue_2019). Seven other clinical diagnostic laboratories have submitted clinical-significance assessments for this variant to ClinVar after 2014 without evidence for independent evaluation. All laboratories classified the variant as uncertain significance. Based on the evidence outlined above, the variant was classified as uncertain significance.

Sema4
Classification: Uncertain significance for Hereditary cancer-predisposing syndrome. Last evaluated: 2021-08-14. Review status: criteria provided, single submitter. Criteria: Sema4 Curation Guidelines. Collection method: curation. Allele origin: germline.
Comment: The PALB2 c.3128G>C (p.G1043A) variant has been reported individuals with breast and/or ovarian cancer (PMID: 21365267, 21618343, 25186627, 26283626, 26315354). However, it was also reported in controls (PMID: 24448499, 26564480). Additionally, in at least one family the variant did not segregate with the disease (PMID: 21618343). Functional studies demonstrated normal or partially impaired function of the protein (PMID: 31586400, 31636395). This variant was observed in 4/113426 chromosomes in the Non-Finnish European population, with no homozygotes, according to the Genome Aggregation Database (PMID: 32461654). There is no indication that this variant causes disease, but the evidence is insufficient currently to prove that conclusively. Based on the current evidence available, this variant is interpreted as a variant of uncertain significance.

Pittsburgh Clinical Genomics Laboratory, University of Pittsburgh Medical Center
Classification: Uncertain significance for Hereditary cancer-predisposing syndrome. Last evaluated: 2018-07-30. Review status: criteria provided, single submitter. Criteria: ACMG Guidelines, 2015. Collection method: clinical testing. Allele origin: germline. Affected: yes. Observed: 1 variant allele.
Comment: This sequence variant is a single nucleotide substitution (G>C) that results in a glycine to alanine amino acid change at residue 1043 in the PALB2 protein. This is a previously reported (ClinVar, HGMD), rare variant in control population datasets (gnomAD database, 5/245648 alleles, 0.002% overall frequency) that has also been observed in multiple breast and ovarian cancer patients (PMIDs 21365267, 21618343, 26283626, 26315354). The Gly1043 residue is located within the functional domain of PALB2 necessary for its interaction with BRCA2 (PMIDs 24485656, 17200672), but functional studies have not been performed to determine if this interaction is disrupted in the presence of this variant. Multiple bioinformatic tools queried are in agreement that this amino acid change would be damaging, and the Gly1043 residue is completely evolutionarily conserved across more than 50 mammalian species examined. At this time, there is not enough evidence to determine whether this variant is pathogenic or benign; thus, it is a variant of uncertain significance.

Cancer Genetics Laboratory, Peter MacCallum Cancer Centre
Classification: Uncertain significance for Familial cancer of breast. Last evaluated: 2015-06-01. Review status: criteria provided, single submitter. Criteria: Thompson et al. (Breast Cancer Res. 2015). Collection method: case-control. Allele origin: germline. Affected: yes. Observed: 1 variant allele, 1 heterozygote.

Leiden Open Variation Database
Classification: Uncertain significance for Familial cancer of breast. Last evaluated: 2019-05-13. Review status: no assertion criteria provided. Collection method: curation. Allele origin: germline. Affected: yes. Not counted in ClinVar's aggregate classification.
Comment: Curators: Marc Tischkowitz, Arleen D. Auerbach. Submitter to LOVD: Marc Tischkowitz.

Department of Pathology and Laboratory Medicine, Sinai Health System
Classification: Uncertain significance. Review status: no assertion criteria provided. Collection method: clinical testing. Allele origin: unknown. Affected: yes. Observed: 1 variant allele. Study: The Canadian Open Genetics Repository (COGR). Not counted in ClinVar's aggregate classification.
Comment: PALB2, EXON11, c.3128G>C, p.Gly1043Ala, Heterozygous, Uncertain Significance The PALB2 p.Gly1043Ala variant was identified in 5 of 16464 proband chromosomes (frequency: 0.0003) from individuals or families with breast and ovarian cancer and was present in 1 of 1324 control chromosomes (frequency: 0.0008) from healthy individuals (Damiola 2015, Hellebrand 2011, Hofstatter 2011, Ramus 2015, Thompson 2015, Tung 2015). The variant was also identified in the following databases: dbSNP (ID: rs377713277) as "With Uncertain significance allele", ClinVar (6x uncertain significance), Clinvitae, and LOVD 3.0 (4x). The variant was not identified in Cosmic, MutDB, or the Zhejiang Colon Cancer Database. The variant was identified in control databases in 5 of 245648 chromosomes at a frequency of 0.00002 (Genome Aggregation Database Feb 27, 2017). It was observed in the European population in 5 of 111408 chromosomes (freq: 0.00005), but not in the African, Other, Latino, Ashkenazi Jewish, East Asian, Finnish, or South Asian populations. The p.Gly1043 residue is conserved across mammals and other organisms, and four out of five computational analyses (PolyPhen-2, SIFT, AlignGVGD, BLOSUM, MutationTaster) suggest that the c.3128G>C variant may impact the protein; however, this information is not predictive enough to assume pathogenicity. The variant occurs outside of the splicing consensus sequence and 1 of 5 in silico or computational prediction software programs (SpliceSiteFinder, MaxEntScan, NNSPLICE, GeneSplicer, HumanSpliceFinder) predict a greater than 10% difference in splicing; this is not very predictive of pathogenicity. In summary, based on the above information the clinical significance of this variant cannot be determined with certainty at this time. This variant is classified as a variant of uncertain significance.

Literature cited by the submitters: PubMed 24448499 (cited by 4 submitters); PubMed 25186627 (cited by 5 submitters); PubMed 26283626 (cited by 6 submitters); PubMed 26564480 (cited by 5 submitters); PubMed 31586400 (cited by 5 submitters); PubMed 31636395 (cited by 5 submitters); PubMed 32885271 (cited by Ambry Genetics and Quest Diagnostics Nichols Institute San Juan Capistrano); PubMed 33471991 (cited by Ambry Genetics and Quest Diagnostics Nichols Institute San Juan Capistrano); PubMed 35610400 (cited by Ambry Genetics and Quest Diagnostics Nichols Institute San Juan Capistrano); PubMed 21365267 (cited by 6 submitters); PubMed 21618343 (cited by 6 submitters); PubMed 26315354 (cited by 5 submitters); PubMed 25085752 (cited by Myriad Genetics, Inc.); PubMed 31422574 (cited by Quest Diagnostics Nichols Institute San Juan Capistrano and Women's Health and Genetics/Laboratory Corporation of America, LabCorp); PubMed 30303537 (cited by Quest Diagnostics Nichols Institute San Juan Capistrano and Women's Health and Genetics/Laboratory Corporation of America, LabCorp); PubMed 24485656 (cited by Pittsburgh Clinical Genomics Laboratory, University of Pittsburgh Medical Center); PubMed 17200672 (cited by Pittsburgh Clinical Genomics Laboratory, University of Pittsburgh Medical Center).